The following is an entry in ClinVar:

ClinVar aggregate classification (germline): Pathogenic (1 of 4 stars; one submission).

Conditions:
Duchenne muscular dystrophy (DMD). Also called: MUSCULAR DYSTROPHY, PSEUDOHYPERTROPHIC PROGRESSIVE, DUCHENNE TYPE; Duchenne Muscular Dystrophy (DMD). Identifiers: Orphanet 98896, MedGen C0013264, MONDO:0010679, OMIM 310200.

Submission:

Labcorp Genetics (formerly Invitae), Labcorp
Classification: Pathogenic for Duchenne muscular dystrophy. Last evaluated: 2023-10-20. Review status: criteria provided, single submitter. Criteria: Invitae Variant Classification Sherloc (09022015). Collection method: clinical testing. Allele origin: germline.
Comment: This sequence change creates a premature translational stop signal (p.Glu1239Profs*10) in the DMD gene. It is expected to result in an absent or disrupted protein product. Loss-of-function variants in DMD are known to be pathogenic (PMID: 16770791, 25007885). This variant is not present in population databases (gnomAD no frequency). This premature translational stop signal has been observed in individual(s) with muscular dystrophy (PMID: 21515508). For these reasons, this variant has been classified as Pathogenic.

Literature cited by the submitters: PubMed 16770791; PubMed 25007885; PubMed 21515508.

NM_004006.3(DMD):c.3715_3733del (p.Glu1239fs)

Gene: DMD (dystrophin; minus strand). Cytogenetic location: Xp21.1.
Variant type: Deletion.
Coding change: c.3715_3733del on transcript NM_004006.3 (MANE Select); coding-DNA positions 3715 to 3733, 19 bases deleted (GAACTTGAAACTCTAACCA).
Protein change: p.Glu1239fs; shifts the reading frame from glutamic acid 1239.
Molecular consequence: frameshift variant.
Genome position (GRCh38, 1-based): chrX:32,448,509-32,448,527, TGGTTAGAGTTTCAAGTTC deleted on the plus strand (GAACTTGAAACTCTAACCA on the coding strand, the reverse complement: DMD is on the minus strand). VCF-style (leftmost placement, unchanged base first): chrX-32448508-GTGGTTAGAGTTTCAAGTTC-G. GRCh37 (hg19) VCF-style: chrX-32466625-GTGGTTAGAGTTTCAAGTTC-G.
Other names: c.3691_3709del, p.Glu1231fs (NM_000109.4); c.3703_3721del, p.Glu1235fs (NM_004009.3); c.3346_3364del, p.Glu1116fs (NM_004010.3); short protein forms E1231fs, E1116fs, E1235fs, E1239fs.
Identifiers: ClinVar variation 2770334 (VCV002770334.3), dbSNP rs2524243178, ClinGen allele CA2697552979.